The following is an entry in ClinVar:

NM_014264.5(PLK4):c.2490G>C (p.Glu830Asp)

Gene: PLK4 (polo like kinase 4; plus strand). Cytogenetic location: 4q28.1.
Variant type: single nucleotide variant.
Coding change: c.2490G>C on transcript NM_014264.5 (MANE Select); coding-DNA position 2490, G replaced by C.
Protein change: p.Glu830Asp; replaces glutamic acid 830 with aspartic acid.
Molecular consequence: missense variant.
Genome position (GRCh38, 1-based): chr4:127,893,809, G>C. VCF-style: chr4-127893809-G-C. GRCh37 (hg19) VCF-style: chr4-128814964-G-C.
Other names: c.2394G>C, p.Glu798Asp (NM_001190799.2); c.2367G>C, p.Glu789Asp (NM_001190801.2); short protein forms E789D, E830D, E798D.
Identifiers: ClinVar variation 1039181 (VCV001039181.5), dbSNP rs17012739, ClinGen allele CA358162614.

ClinVar aggregate classification (germline): Uncertain significance (1 of 4 stars; one submission).

Submission:

Labcorp Genetics (formerly Invitae), Labcorp
Classification: Uncertain significance. Last evaluated: 2022-03-19. Review status: criteria provided, single submitter. Criteria: Invitae Variant Classification Sherloc (09022015). Collection method: clinical testing. Allele origin: germline.
Comment: This sequence change replaces glutamic acid, which is acidic and polar, with aspartic acid, which is acidic and polar, at codon 830 of the PLK4 protein (p.Glu830Asp). This variant is not present in population databases (gnomAD no frequency). This variant has not been reported in the literature in individuals affected with PLK4-related conditions. ClinVar contains an entry for this variant (Variation ID: 1039181). Algorithms developed to predict the effect of missense changes on protein structure and function output the following: SIFT: "Tolerated"; PolyPhen-2: "Benign"; Align-GVGD: "Class C0". The aspartic acid amino acid residue is found in multiple mammalian species, which suggests that this missense change does not adversely affect protein function. In summary, the available evidence is currently insufficient to determine the role of this variant in disease. Therefore, it has been classified as a Variant of Uncertain Significance.